The following is an entry in ClinVar:

NM_001349253.2(SCN11A):c.4033C>A (p.Gln1345Lys)

Gene: SCN11A (sodium voltage-gated channel alpha subunit 11; minus strand). Cytogenetic location: 3p22.2.
Variant type: single nucleotide variant.
Coding change: c.4033C>A on transcript NM_001349253.2 (MANE Select); coding-DNA position 4033, C replaced by A.
Protein change: p.Gln1345Lys; replaces glutamine 1345 with lysine.
Molecular consequence: missense variant.
Genome position (GRCh38, 1-based): chr3:38,863,218, G>T on the plus strand (C>A on the coding strand, the complement: SCN11A is on the minus strand). VCF-style: chr3-38863218-G-T. GRCh37 (hg19) VCF-style: chr3-38904709-G-T.
Other names: c.4033C>A, p.Gln1345Lys (NM_014139.3); short protein forms Q1345K.
Identifiers: ClinVar variation 4783899 (VCV004783899.1).

ClinVar aggregate classification (germline): Uncertain significance (1 of 4 stars; one submission).

Conditions:
Familial episodic pain syndrome with predominantly lower limb involvement. Also called: Episodic pain syndrome, familial, 3. Identifiers: Orphanet 391384, Orphanet 391392, MedGen C3809899, MONDO:0014247, OMIM 615552.
Hereditary sensory and autonomic neuropathy type 7. Also called: HSAN VII; Neuropathy, hereditary sensory and autonomic, type VII. Identifiers: Orphanet 391397, MedGen C3809882, MONDO:0014244, OMIM 615548.

gnomAD v4.1: 3 of 1,597,980 alleles (0.00019%); highest among the groups gnomAD compares: Non-Finnish European, 0.00026%; no homozygotes.

Submission:

Labcorp Genetics (formerly Invitae), Labcorp
Classification: Uncertain significance for Familial episodic pain syndrome with predominantly lower limb involvement; Hereditary sensory and autonomic neuropathy type 7. Last evaluated: 2025-11-12. Review status: criteria provided, single submitter. Criteria: Invitae Variant Classification Sherloc (09022015). Collection method: clinical testing. Allele origin: germline.
Comment: This sequence change replaces glutamine, which is neutral and polar, with lysine, which is basic and polar, at codon 1345 of the SCN11A protein (p.Gln1345Lys). This variant is present in population databases (rs751009800, gnomAD 0.002%). This variant has not been reported in the literature in individuals affected with SCN11A-related conditions. Invitae Evidence Modeling of protein sequence and biophysical properties (such as structural, functional, and spatial information, amino acid conservation, physicochemical variation, residue mobility, and thermodynamic stability) indicates that this missense variant is not expected to disrupt SCN11A protein function with a negative predictive value of 80%. In summary, the available evidence is currently insufficient to determine the role of this variant in disease. Therefore, it has been classified as a Variant of Uncertain Significance.